The following is an entry in ClinVar:

NM_002227.4(JAK1):c.2366A>G (p.Asn789Ser)

Gene: JAK1 (Janus kinase 1; minus strand). Cytogenetic location: 1p31.3.
Variant type: single nucleotide variant.
Coding change: c.2366A>G on transcript NM_002227.4 (MANE Select); coding-DNA position 2366, A replaced by G.
Protein change: p.Asn789Ser; replaces asparagine 789 with serine.
Molecular consequence: missense variant.
Genome position (GRCh38, 1-based): chr1:64,844,101, T>C on the plus strand (A>G on the coding strand, the complement: JAK1 is on the minus strand). VCF-style: chr1-64844101-T-C. GRCh37 (hg19) VCF-style: chr1-65309784-T-C.
Other names: c.2366A>G, p.Asn789Ser (NM_001320923.2, NM_001321852.2, NM_001321853.2 and 3 more transcripts); c.2363A>G, p.Asn788Ser (NM_001321857.2); short protein forms N788S, N789S.
Identifiers: ClinVar variation 1461154 (VCV001461154.8), dbSNP rs570094081, ClinGen allele CA892687.

ClinVar aggregate classification (germline): Uncertain significance (1 of 4 stars; one submission).

Allele frequency attached by ClinVar (database versions not stated): gnomAD 0.00001; 1000 Genomes Project 0.00020; 1000 Genomes Project 30x 0.00031.
gnomAD v4.1: 3 of 1,614,180 alleles (0.00019%); highest among the groups gnomAD compares: Admixed American, 0.0033%; no homozygotes.

Submission:

Labcorp Genetics (formerly Invitae), Labcorp
Classification: Uncertain significance. Last evaluated: 2025-09-15. Review status: criteria provided, single submitter. Criteria: Invitae Variant Classification Sherloc (09022015). Collection method: clinical testing. Allele origin: germline.
Comment: This sequence change replaces asparagine, which is neutral and polar, with serine, which is neutral and polar, at codon 789 of the JAK1 protein (p.Asn789Ser). This variant is present in population databases (rs570094081, gnomAD 0.006%). This variant has not been reported in the literature in individuals affected with JAK1-related conditions. ClinVar contains an entry for this variant (Variation ID: 1461154). Invitae Evidence Modeling of protein sequence and biophysical properties (such as structural, functional, and spatial information, amino acid conservation, physicochemical variation, residue mobility, and thermodynamic stability) indicates that this missense variant is not expected to disrupt JAK1 protein function with a negative predictive value of 80%. In summary, the available evidence is currently insufficient to determine the role of this variant in disease. Therefore, it has been classified as a Variant of Uncertain Significance.